The following is an entry in ClinVar:

ClinVar aggregate classification (germline): Likely pathogenic (1 of 4 stars; one submission).

Conditions:
Hyper-IgE recurrent infection syndrome 3, autosomal recessive. Also called: Autosomal recessive hyper-IgE syndrome due to ZNF341 deficiency; HYPER-IgE SYNDROME 3, AUTOSOMAL RECESSIVE, WITH RECURRENT INFECTIONS. Identifiers: Orphanet 641368, MedGen C4748969, MONDO:0032654, OMIM 618282.

Submission:

Labcorp Genetics (formerly Invitae), Labcorp
Classification: Likely pathogenic for Combined immunodeficiency due to DOCK8 deficiency. Last evaluated: 2021-04-19. Review status: criteria provided, single submitter. Criteria: Invitae Variant Classification Sherloc (09022015). Collection method: clinical testing. Allele origin: germline.
Comment: In summary, the currently available evidence indicates that the variant is pathogenic, but additional data are needed to prove that conclusively. Therefore, this variant has been classified as Likely Pathogenic. This variant disrupts the p.Lys473 amino acid residue in DOCK8. Other variant(s) that disrupt this residue have been determined to be pathogenic (PMID: 20004785, Invitae). This suggests that this residue is clinically significant, and that variants that disrupt this residue are likely to be disease-causing. This variant has been observed in individual(s) with clinical features of hyper-IgE syndrome (Invitae). This variant is a gross deletion of the genomic region encompassing exon(s) 11-12 of the DOCK8 gene. This variant would be expected to be in-frame, preserving the integrity of the reading frame.

Literature cited by the submitters: PubMed 20004785.

NC_000009.11:g.(?_334205)_(336738_?)del

Gene: DOCK8 (dedicator of cytokinesis 8; plus strand). Cytogenetic location: 9p24.3.
Variant type: Deletion.
Identifiers: ClinVar variation 1349374 (VCV001349374.10).